The following is an entry in ClinVar:

ClinVar aggregate classification (germline): Likely benign. Review status: criteria provided, multiple submitters, no conflicts (2 of 4 stars). 2 submissions from 2 submitters: Likely benign (2). Last evaluated 2025-12-23.

Allele frequency attached by ClinVar (database versions not stated): ExAC 0.00005; gnomAD 0.00006 and 0.00007; TOPMed 0.00019; 1000 Genomes Project 30x 0.00031; 1000 Genomes Project 0.00040.
gnomAD v4.1: 60 of 1,613,750 alleles (0.0037%); highest among the groups gnomAD compares: Admixed American, 0.05%; no homozygotes.

Submissions (2):

Labcorp Genetics (formerly Invitae), Labcorp
Classification: Likely benign. Last evaluated: 2025-12-23. Review status: criteria provided, single submitter. Criteria: Invitae Variant Classification Sherloc (09022015). Collection method: clinical testing. Allele origin: germline.

GeneDx
Classification: Likely benign. Last evaluated: 2018-02-15. Review status: criteria provided, single submitter. Criteria: GeneDx Variant Classification (06012015). Collection method: clinical testing. Allele origin: germline. Affected: yes.
Comment: This variant is considered likely benign or benign based on one or more of the following criteria: it is a conservative change, it occurs at a poorly conserved position in the protein, it is predicted to be benign by multiple in silico algorithms, and/or has population frequency not consistent with disease.

NM_001070.5(TUBG1):c.400-6A>G

Gene: TUBG1 (tubulin gamma 1; plus strand). Cytogenetic location: 17q21.2.
Variant type: single nucleotide variant.
Coding change: c.400-6A>G on transcript NM_001070.5 (MANE Select); 6 bases into the intron before coding-DNA position 400, A replaced by G.
Molecular consequence: intron variant.
Genome position (GRCh38, 1-based): chr17:42,612,421, A>G. VCF-style: chr17-42612421-A-G. GRCh37 (hg19) VCF-style: chr17-40764439-A-G.
Identifiers: ClinVar variation 515431 (VCV000515431.6), dbSNP rs202005162, ClinGen allele CA8579863.
Genomic context (GRCh38, chr17:42,612,421, plus strand): 5'-GAGATGGGTCTAGTTTGACATCCTGCCACTAGATACCTGTACACTGACTGCCCCTTCCCC[A>G]TGCAGGGCTTTGTGCTGTGTCACTCCATTGCTGGGGGGACAGGCTCTGGACTGGGTTCCT-3'